The following is an entry in ClinVar:

ClinVar aggregate classification (germline): Uncertain significance. Review status: criteria provided, single submitter (1 of 4 stars). 2 submissions from 2 submitters: Uncertain significance (1). 1 of the submissions does not count toward it. Last evaluated 2024-04-15.

Conditions:
Immunodeficiency 130 with HPV-related verrucosis. Also called: Epidermodysplasia verruciformis, susceptibility to, 5. Identifiers: MedGen C4749043, MONDO:0032667, OMIM 618309.
IL7-related disorder. Also called: IL7-related condition.

Allele frequency attached by ClinVar (database versions not stated): gnomAD exomes 0.00158; gnomAD 0.00171; TOPMed 0.00228; ExAC 0.00451; 1000 Genomes Project 30x 0.00999; 1000 Genomes Project 0.01118.
gnomAD v4.1: 2,550 of 1,610,184 alleles (0.16%); highest among the groups gnomAD compares: East Asian, 5.5%; 65 homozygotes.

Submissions (2):

Fulgent Genetics
Classification: Uncertain significance for Immunodeficiency 130 with HPV-related verrucosis. Last evaluated: 2024-04-15. Review status: criteria provided, single submitter. Criteria: ACMG Guidelines, 2015. Collection method: clinical testing. Allele origin: germline.

PreventionGenetics, part of Exact Sciences
Classification: Benign for IL7-related condition. Last evaluated: 2019-10-28. Review status: no assertion criteria provided. Collection method: clinical testing. Allele origin: germline. Not counted in ClinVar's aggregate classification.
Comment: This variant is classified as benign based on ACMG/AMP sequence variant interpretation guidelines (Richards et al. 2015 PMID: 25741868, with internal and published modifications).

NM_000880.4(IL7):c.360+6C>T

Gene: IL7 (interleukin 7; minus strand). Cytogenetic location: 8q21.13.
Variant type: single nucleotide variant.
Coding change: c.360+6C>T on transcript NM_000880.4 (MANE Select); 6 bases into the intron after coding-DNA position 360, C replaced by T.
Molecular consequence: intron variant.
Genome position (GRCh38, 1-based): chr8:78,738,498, G>A on the plus strand (C>T on the coding strand, the complement: IL7 is on the minus strand). VCF-style: chr8-78738498-G-A. GRCh37 (hg19) VCF-style: chr8-79650733-G-A.
Other names: c.228+1504C>T (NM_001199888.2, NM_001199886.2); c.360+6C>T (NM_001199887.2).
Identifiers: ClinVar variation 3042451 (VCV003042451.3), dbSNP rs56222538, ClinGen allele CA4789294.